The following is an entry in ClinVar:

NM_003742.4(ABCB11):c.555G>A (p.Met185Ile)

Gene: ABCB11 (ATP binding cassette subfamily B member 11; minus strand). Cytogenetic location: 2q31.1.
Variant type: single nucleotide variant.
Coding change: c.555G>A on transcript NM_003742.4 (MANE Select); coding-DNA position 555, G replaced by A.
Protein change: p.Met185Ile; replaces methionine 185 with isoleucine.
Molecular consequence: missense variant.
Genome position (GRCh38, 1-based): chr2:168,995,405, C>T on the plus strand (G>A on the coding strand, the complement: ABCB11 is on the minus strand). VCF-style: chr2-168995405-C-T. GRCh37 (hg19) VCF-style: chr2-169851915-C-T.
Other names: NM_003742.4(ABCB11):c.555G>A; p.Met185Ile; c.555G>A, p.Met185Ile (LRG_1199t1); short protein forms M185I.
Identifiers: ClinVar variation 594001 (VCV000594001.7), dbSNP rs367704601, ClinGen allele CA59898070.

ClinVar aggregate classification (germline): Uncertain significance. Review status: criteria provided, multiple submitters, no conflicts (2 of 4 stars). 4 submissions from 4 submitters: Uncertain significance (4). Last evaluated 2026-04-14.

Conditions:
Familial intrahepatic cholestasis. Identifiers: Orphanet 284385, MedGen CN296401, MONDO:0017290.
Progressive familial intrahepatic cholestasis type 2. Identifiers: Orphanet 79304, MedGen C3489789, MONDO:0011156, OMIM 601847.

Allele frequency attached by ClinVar (database versions not stated): gnomAD exomes below 0.00001; TOPMed 0.00001; ESP Exome Variant Server 0.00008.

Submissions (4):

Genomenon, Inc
Classification: Uncertain significance for Familial intrahepatic cholestasis. Last evaluated: 2026-04-14. Review status: criteria provided, single submitter. Criteria: Genomenon Sequence Variant Interpretation Standards - Updated. Collection method: curation. Allele origin: germline. Affected: yes.
Comment: ABCB11 p.Met185Ile (c.555G>A) is a missense variant that changes the amino acid at residue 185 from Methionine to Isoleucine. This variant has been observed in at least one proband with an ABCB11-related disorder (PMID:32808743). It is absent or not present at a significant frequency in gnomAD. In silico models predict that this variant is possibly or probably damaging. In conclusion, we classify ABCB11 p.Met185Ile (c.555G>A) as a variant of uncertain significance.

Women's Health and Genetics/Laboratory Corporation of America, LabCorp
Classification: Uncertain significance. Last evaluated: 2025-05-05. Review status: criteria provided, single submitter. Criteria: LabCorp Variant Classification Summary - May 2015. Collection method: clinical testing. Allele origin: germline.
Comment: Variant summary: ABCB11 c.555G>A (p.Met185Ile) results in a conservative amino acid change in the encoded protein sequence. Algorithms developed to predict the effect of missense changes on protein structure and function are either unavailable or do not agree on the potential impact of this missense change. The variant was absent in 248210 control chromosomes (gnomAD). The available data on variant occurrences in the general population are insufficient to allow any conclusion about variant significance. c.555G>A has been observed in an individual affected with Familial Intrahepatic Cholestasis (Wang_2016). These data do not allow any conclusion about variant significance. To our knowledge, no experimental evidence demonstrating an impact on protein function has been reported. The following publication has been ascertained in the context of this evaluation (PMID: 27050426). ClinVar contains an entry for this variant (Variation ID: 594001). Based on the evidence outlined above, the variant was classified as uncertain significance.

Broad Center for Mendelian Genomics, Broad Institute of MIT and Harvard
Classification: Uncertain significance for Progressive familial intrahepatic cholestasis type 2. Last evaluated: 2025-02-03. Review status: criteria provided, single submitter. Criteria: ACMG Guidelines, 2015. Collection method: curation. Allele origin: germline. Inheritance: Autosomal recessive inheritance.
Comment: The p.Met185Ile variant in ABCB11 has been reported, in the compound heterozygous state, in 1 individual with BSEP deficiency (PMID: 32808743), and has been identified in 0.001% (1/74916) of African/African American chromosomes by the Genome Aggregation Database (gnomAD; dbSNP rs367704601). Although this variant has been seen in the general population in a heterozygous state, its frequency is low enough to be consistent with a recessive carrier frequency. This variant has also been reported in ClinVar (Variation ID: 594001) and has been interpreted as a variant of uncertain significance by Eurofins Ntd Llc. Computational prediction tools and conservation analyses suggest that this variant may impact the protein, though this information is not predictive enough to determine pathogenicity. In summary, while there is some suspicion for a pathogenic role, the clinical significance of this variant is uncertain. ACMG/AMP Criteria applied: PP3_moderate, PM2_supporting (Richards 2015).

Eurofins Ntd Llc (ga)
Classification: Uncertain significance. Last evaluated: 2017-09-13. Review status: criteria provided, single submitter. Criteria: EGL Classification Definitions 2015. Collection method: clinical testing. Allele origin: germline. Observed: 1 variant allele, 1 heterozygote.

Literature cited by the submitters: PubMed 32808743 (cited by Genomenon, Inc); PubMed 27050426 (cited by Women's Health and Genetics/Laboratory Corporation of America, LabCorp).